The following is an entry in ClinVar:

ClinVar aggregate classification (germline): Uncertain significance (1 of 4 stars; one submission).

Conditions:
Multiple endocrine neoplasia type 4. Also called: MULTIPLE ENDOCRINE NEOPLASIA, TYPE IV. Identifiers: Orphanet 276152, MedGen C1970712, MONDO:0012552, OMIM 610755.

Allele frequency attached by ClinVar (database versions not stated): TOPMed below 0.00001.

Submission:

Labcorp Genetics (formerly Invitae), Labcorp
Classification: Uncertain significance for Multiple endocrine neoplasia type 4. Last evaluated: 2021-02-18. Review status: criteria provided, single submitter. Criteria: Invitae Variant Classification Sherloc (09022015). Collection method: clinical testing. Allele origin: germline.
Comment: This variant has not been reported in the literature in individuals with CDKN1B-related conditions. This sequence change replaces aspartic acid with histidine at codon 136 of the CDKN1B protein (p.Asp136His). The aspartic acid residue is highly conserved and there is a moderate physicochemical difference between aspartic acid and histidine. This variant is not present in population databases (ExAC no frequency). In summary, the available evidence is currently insufficient to determine the role of this variant in disease. Therefore, it has been classified as a Variant of Uncertain Significance. Algorithms developed to predict the effect of missense changes on protein structure and function are either unavailable or do not agree on the potential impact of this missense change (SIFT: "Deleterious"; PolyPhen-2: "Possibly Damaging"; Align-GVGD: "Class C0").

NM_004064.5(CDKN1B):c.406G>C (p.Asp136His)

Gene: CDKN1B (cyclin dependent kinase inhibitor 1B; plus strand). Cytogenetic location: 12p13.1.
Variant type: single nucleotide variant.
Coding change: c.406G>C on transcript NM_004064.5 (MANE Select); coding-DNA position 406, G replaced by C.
Protein change: p.Asp136His; replaces aspartic acid 136 with histidine.
Molecular consequence: missense variant.
Genome position (GRCh38, 1-based): chr12:12,718,245, G>C. VCF-style: chr12-12718245-G-C. GRCh37 (hg19) VCF-style: chr12-12871179-G-C.
Other names: short protein forms D136H.
Identifiers: ClinVar variation 954954 (VCV000954954.9), dbSNP rs1946498276, ClinGen allele CA383970639.